The following is an entry in ClinVar:

NM_001379270.1(CNGA1):c.1557del (p.Lys519fs)

Genes: CNGA1 (cyclic nucleotide gated channel subunit alpha 1; minus strand), LOC101927157 (uncharacterized LOC101927157; plus strand). Cytogenetic location: 4p12.
Variant type: Deletion.
Coding change: c.1557del on transcript NM_001379270.1 (MANE Select); coding-DNA position 1557, one base deleted (A; older notation c.1557delA).
Protein change: p.Lys519fs; shifts the reading frame from lysine 519.
Molecular consequence: frameshift variant.
Genome position (GRCh38, 1-based): chr4:47,936,925, T deleted on the plus strand (A on the coding strand, the reverse complement: CNGA1 is on the minus strand); the first of 3 consecutive T bases (chr4:47,936,925-47,936,927); deleting any one gives the same sequence. VCF-style (leftmost placement, unchanged base first): chr4-47936924-GT-G. GRCh37 (hg19) VCF-style: chr4-47938941-GT-G.
Other names: c.1557del, p.Lys519fs (NM_000087.5, NM_001142564.2); short protein forms K519fs.
Identifiers: ClinVar variation 1075000 (VCV001075000.9), dbSNP rs2110128153, ClinGen allele CA2499217219.

ClinVar aggregate classification (germline): Pathogenic (1 of 4 stars; one submission).

Submission:

Labcorp Genetics (formerly Invitae), Labcorp
Classification: Pathogenic. Last evaluated: 2023-08-14. Review status: criteria provided, single submitter. Criteria: Invitae Variant Classification Sherloc (09022015). Collection method: clinical testing. Allele origin: germline.
Comment: ClinVar contains an entry for this variant (Variation ID: 1075000). This variant has not been reported in the literature in individuals affected with CNGA1-related conditions. This variant is not present in population databases (gnomAD no frequency). This sequence change creates a premature translational stop signal (p.Lys523Asnfs*16) in the CNGA1 gene. While this is not anticipated to result in nonsense mediated decay, it is expected to disrupt the last 168 amino acid(s) of the CNGA1 protein. This variant disrupts a region of the CNGA1 protein in which other variant(s) (p.Arg629*) have been determined to be pathogenic (PMID: 24154662; Invitae). This suggests that this is a clinically significant region of the protein, and that variants that disrupt it are likely to be disease-causing. For these reasons, this variant has been classified as Pathogenic.

Literature cited by the submitters: PubMed 24154662.